The following is an entry in ClinVar:

NM_000081.4(LYST):c.1961T>C (p.Leu654Pro)

Gene: LYST (lysosomal trafficking regulator; minus strand). Cytogenetic location: 1q42.3.
Variant type: single nucleotide variant.
Coding change: c.1961T>C on transcript NM_000081.4 (MANE Select); coding-DNA position 1961, T replaced by C.
Protein change: p.Leu654Pro; replaces leucine 654 with proline.
Molecular consequence: missense variant.
Genome position (GRCh38, 1-based): chr1:235,808,857, A>G on the plus strand (T>C on the coding strand, the complement: LYST is on the minus strand). VCF-style: chr1-235808857-A-G. GRCh37 (hg19) VCF-style: chr1-235972157-A-G.
Other names: c.1961T>C, p.Leu654Pro (NM_001301365.1); short protein forms L654P.
Identifiers: ClinVar variation 4809034 (VCV004809034.1).

ClinVar aggregate classification (germline): Uncertain significance (1 of 4 stars; one submission).

Conditions:
Chédiak-Higashi syndrome (CHS). Also called: Chediak-Higashi Syndrome. Identifiers: Orphanet 167, MedGen C0007965, MONDO:0008963, OMIM 214500.

gnomAD v4.1: 24 of 1,613,938 alleles (0.0015%); highest among the groups gnomAD compares: South Asian, 0.026%; no homozygotes.

Submission:

Labcorp Genetics (formerly Invitae), Labcorp
Classification: Uncertain significance for Chédiak-Higashi syndrome. Last evaluated: 2025-06-22. Review status: criteria provided, single submitter. Criteria: Invitae Variant Classification Sherloc (09022015). Collection method: clinical testing. Allele origin: germline.
Comment: This sequence change replaces leucine, which is neutral and non-polar, with proline, which is neutral and non-polar, at codon 654 of the LYST protein (p.Leu654Pro). This variant is present in population databases (rs759292386, gnomAD 0.03%). This variant has not been reported in the literature in individuals affected with LYST-related conditions. Invitae Evidence Modeling of protein sequence and biophysical properties (such as structural, functional, and spatial information, amino acid conservation, physicochemical variation, residue mobility, and thermodynamic stability) indicates that this missense variant is not expected to disrupt LYST protein function with a negative predictive value of 80%. In summary, the available evidence is currently insufficient to determine the role of this variant in disease. Therefore, it has been classified as a Variant of Uncertain Significance.